The following is an entry in ClinVar:

ClinVar aggregate classification (germline): Uncertain significance (1 of 4 stars; one submission).

Conditions:
Distal hereditary motor neuropathy type 2. Identifiers: Orphanet 139525, MedGen C3711384, MeSH C580044, MONDO:0015352.

Submission:

Labcorp Genetics (formerly Invitae), Labcorp
Classification: Uncertain significance for Distal hereditary motor neuropathy type 2. Last evaluated: 2025-12-20. Review status: criteria provided, single submitter. Criteria: Invitae Variant Classification Sherloc (09022015). Collection method: clinical testing. Allele origin: germline.
Comment: This sequence change replaces alanine, which is neutral and non-polar, with serine, which is neutral and polar, at codon 688 of the FBXO38 protein (p.Ala688Ser). This variant is not present in population databases (gnomAD no frequency). This variant has not been reported in the literature in individuals affected with FBXO38-related conditions. ClinVar contains an entry for this variant (Variation ID: 2126104). Invitae Evidence Modeling of protein sequence and biophysical properties (such as structural, functional, and spatial information, amino acid conservation, physicochemical variation, residue mobility, and thermodynamic stability) indicates that this missense variant is not expected to disrupt FBXO38 protein function with a negative predictive value of 80%. In summary, the available evidence is currently insufficient to determine the role of this variant in disease. Therefore, it has been classified as a Variant of Uncertain Significance.

NM_205836.3(FBXO38):c.2062G>T (p.Ala688Ser)

Gene: FBXO38 (F-box protein 38; plus strand). Cytogenetic location: 5q32.
Variant type: single nucleotide variant.
Coding change: c.2062G>T on transcript NM_205836.3 (MANE Select); coding-DNA position 2062, G replaced by T.
Protein change: p.Ala688Ser; replaces alanine 688 with serine.
Molecular consequence: missense variant. On other transcripts: intron variant (1).
Genome position (GRCh38, 1-based): chr5:148,427,356, G>T. VCF-style: chr5-148427356-G-T. GRCh37 (hg19) VCF-style: chr5-147806919-G-T.
Other names: c.2062G>T, p.Ala688Ser (NM_030793.5); c.1918+1655G>T (NM_001271723.2); short protein forms A688S.
Identifiers: ClinVar variation 2126104 (VCV002126104.4), dbSNP rs913559304, ClinGen allele CA361656711.